The following is an entry in ClinVar:

ClinVar aggregate classification (germline): Uncertain significance (1 of 4 stars; one submission).

Submission:

Labcorp Genetics (formerly Invitae), Labcorp
Classification: Uncertain significance. Last evaluated: 2023-10-22. Review status: criteria provided, single submitter. Criteria: Invitae Variant Classification Sherloc (09022015). Collection method: clinical testing. Allele origin: germline.
Comment: This variant, c.1495_1497del, results in the deletion of 1 amino acid(s) of the MKL1 protein (p.Lys499del), but otherwise preserves the integrity of the reading frame. This variant is not present in population databases (gnomAD no frequency). This variant has not been reported in the literature in individuals affected with MKL1-related conditions. In summary, the available evidence is currently insufficient to determine the role of this variant in disease. Therefore, it has been classified as a Variant of Uncertain Significance.

NM_020831.6(MRTFA):c.1795_1797del (p.Lys599del)

Gene: MRTFA (myocardin related transcription factor A; minus strand). Cytogenetic location: 22q13.1.
Variant type: Deletion.
Coding change: c.1795_1797del on transcript NM_020831.6 (MANE Select); coding-DNA positions 1795 to 1797, 3 bases deleted (AAG; older notation c.1795_1797delAAG).
Protein change: p.Lys599del; deletes lysine 599.
Molecular consequence: inframe deletion.
Genome position (GRCh38, 1-based): chr22:40,418,941-40,418,943, CTT deleted on the plus strand (AAG on the coding strand, the reverse complement: MRTFA is on the minus strand); deleting any 3 consecutive bases within chr22:40,418,941-40,418,944 gives the same sequence; the c. name uses the placement nearest the transcript's 3' end. VCF-style (leftmost placement, unchanged base first): chr22-40418940-CCTT-C. GRCh37 (hg19) VCF-style: chr22-40814944-CCTT-C.
Other names: c.1495_1497del, p.Lys499del (NM_001282660.2); c.1645_1647del, p.Lys549del (NM_001282661.3); c.1795_1797del, p.Lys599del (NM_001282662.3); c.1600_1602del, p.Lys534del (NM_001318139.2); short protein forms K599del, K499del, K534del, K549del.
Identifiers: ClinVar variation 2768039 (VCV002768039.3), dbSNP rs2517815885, ClinGen allele CA2697552777.